The following is an entry in ClinVar:

NM_032578.4(MYPN):c.2755C>T (p.Arg919Cys)

Gene: MYPN (myopalladin; plus strand). Cytogenetic location: 10q21.3.
Variant type: single nucleotide variant.
Coding change: c.2755C>T on transcript NM_032578.4 (MANE Select); coding-DNA position 2755, C replaced by T.
Protein change: p.Arg919Cys; replaces arginine 919 with cysteine.
Molecular consequence: missense variant. On other transcripts: non-coding transcript variant (2).
Genome position (GRCh38, 1-based): chr10:68,188,956, C>T. VCF-style: chr10-68188956-C-T. GRCh37 (hg19) VCF-style: chr10-69948713-C-T.
Other names: c.2755C>T, p.Arg919Cys (NM_001256267.2); c.1873C>T, p.Arg625Cys (NM_001256268.2); short protein forms R919C, R625C.
Identifiers: ClinVar variation 1509600 (VCV001509600.4), dbSNP rs189478865, ClinGen allele CA208217002.
Genomic context (GRCh38, chr10:68,188,956, plus strand): 5'-TTTTGACAGGAGTACAAAATTTCAAGCTTTGAGCAGAGGCTGATGAATGAAATAGAGTTT[C>T]GCTTGGAACGTACTCCTGTTGATGAATCAGATGATGAAATTCAACATGATGAGATCCCCA-3'
Protein context (NP_115967.2, residues 909-929): EQRLMNEIEF[Arg919Cys]LERTPVDESD

ClinVar aggregate classification (germline): Uncertain significance (1 of 4 stars; one submission).

Conditions:
Dilated cardiomyopathy 1KK (CMD1KK). Identifiers: Orphanet 154, Orphanet 75249, MedGen C3714995, MONDO:0014100, OMIM 615248.

Allele frequency attached by ClinVar (database versions not stated): 1000 Genomes Project 30x 0.00016.
gnomAD v4.1: 2 of 1,614,120 alleles (0.00012%); highest among the groups gnomAD compares: Admixed American, 0.0017%; no homozygotes.

Submission:

Labcorp Genetics (formerly Invitae), Labcorp
Classification: Uncertain significance for Dilated cardiomyopathy 1KK. Last evaluated: 2021-08-19. Review status: criteria provided, single submitter. Criteria: Invitae Variant Classification Sherloc (09022015). Collection method: clinical testing. Allele origin: germline.
Comment: This sequence change replaces arginine with cysteine at codon 919 of the MYPN protein (p.Arg919Cys). The arginine residue is highly conserved and there is a large physicochemical difference between arginine and cysteine. This variant is not present in population databases (ExAC no frequency). This variant has not been reported in the literature in individuals affected with MYPN-related conditions. Algorithms developed to predict the effect of missense changes on protein structure and function are either unavailable or do not agree on the potential impact of this missense change (SIFT: "Deleterious"; PolyPhen-2: "Probably Damaging"; Align-GVGD: "Class C0"). In summary, the available evidence is currently insufficient to determine the role of this variant in disease. Therefore, it has been classified as a Variant of Uncertain Significance.